The following is an entry in ClinVar:

ClinVar aggregate classification (germline): Likely pathogenic (1 of 4 stars; one submission).

Submission:

Labcorp Genetics (formerly Invitae), Labcorp
Classification: Likely pathogenic. Last evaluated: 2025-06-09. Review status: criteria provided, single submitter. Criteria: Invitae Variant Classification Sherloc (09022015). Collection method: clinical testing. Allele origin: germline.
Comment: This sequence change affects a donor splice site in intron 5 of the IKZF1 gene. It is expected to disrupt RNA splicing. Variants that disrupt the donor or acceptor splice site typically lead to a loss of protein function (PMID: 16199547), however the current clinical and genetic evidence is not sufficient to establish whether loss-of-function variants in IKZF1 cause disease. This variant is not present in population databases (gnomAD no frequency). Disruption of this splice site has been observed in individual(s) with clinical features of combined immunodeficiency and/or common variable immune deficiency (PMID: 27939403, 33225392, 35979904). This variant is also known as c.328+1G>C. ClinVar contains an entry for this variant (Variation ID: 3659349). Studies have shown that disruption of this splice site alters IKZF1 gene expression (PMID: 27939403). Studies have shown that disruption of this splice site is associated with altered splicing resulting in multiple RNA products (PMID: 27939403). In summary, the currently available evidence indicates that the variant is pathogenic, but additional data are needed to prove that conclusively. Therefore, this variant has been classified as Likely Pathogenic.

Literature cited by the submitters: PubMed 16199547; PubMed 27939403; PubMed 33225392; PubMed 35979904.

NM_006060.6(IKZF1):c.589+1G>C

Gene: IKZF1 (IKAROS family zinc finger 1; plus strand). Cytogenetic location: 7p12.2.
Variant type: single nucleotide variant.
Coding change: c.589+1G>C on transcript NM_006060.6 (MANE Select); the canonical splice donor site of the intron after coding-DNA position 589, G replaced by C.
Molecular consequence: splice donor variant. On other transcripts: intron variant (6).
Genome position (GRCh38, 1-based): chr7:50,382,708, G>C. VCF-style: chr7-50382708-G-C. GRCh37 (hg19) VCF-style: chr7-50450406-G-C.
Other names: c.649+1G>C (NM_001410879.1); c.328+1G>C (NM_001291839.2, NM_001291838.2, NM_001220767.2 and 1 more transcripts); c.589+1G>C (NM_001220765.3, NM_001291837.2, NM_001220768.2); c.421+5915G>C (NM_001220771.2); c.161-4637G>C (NM_001291841.1, NM_001291842.1); c.161-9021G>C (NM_001291843.1, NM_001291844.1); c.161-17210G>C (NM_001291840.1).
Identifiers: ClinVar variation 3659349 (VCV003659349.2).